The following is an entry in ClinVar:

ClinVar aggregate classification (germline): Uncertain significance (1 of 4 stars; one submission).

Conditions:
Cardiovascular phenotype. Identifiers: MedGen CN230736.

gnomAD v4.1: 1 of 1,614,168 alleles (0.000062%); highest among the groups gnomAD compares: East Asian, 0.0022%; no homozygotes.

Submission:

Ambry Genetics
Classification: Uncertain significance for Cardiovascular phenotype. Last evaluated: 2022-10-07. Review status: criteria provided, single submitter. Criteria: Ambry Variant Classification Scheme 2023. Collection method: clinical testing. Allele origin: germline.
Comment: The p.S1961I variant (also known as c.5882G>T), located in coding exon 26 of the APOB gene, results from a G to T substitution at nucleotide position 5882. The serine at codon 1961 is replaced by isoleucine, an amino acid with dissimilar properties. This amino acid position is conserved. In addition, this alteration is predicted to be tolerated by in silico analysis. Since supporting evidence is limited at this time, the clinical significance of this alteration remains unclear.

NM_000384.3(APOB):c.5882G>T (p.Ser1961Ile)

Gene: APOB (apolipoprotein B; minus strand). Cytogenetic location: 2p24.1.
Variant type: single nucleotide variant.
Coding change: c.5882G>T on transcript NM_000384.3 (MANE Select); coding-DNA position 5882, G replaced by T.
Protein change: p.Ser1961Ile; replaces serine 1961 with isoleucine.
Molecular consequence: missense variant.
Genome position (GRCh38, 1-based): chr2:21,010,986, C>A on the plus strand (G>T on the coding strand, the complement: APOB is on the minus strand). VCF-style: chr2-21010986-C-A. GRCh37 (hg19) VCF-style: chr2-21233858-C-A.
Other names: short protein forms S1961I.
Identifiers: ClinVar variation 1750276 (VCV001750276.2), dbSNP rs974524838, ClinGen allele CA346003771.